The following is an entry in ClinVar:

NM_020975.6(RET):c.2226G>A (p.Thr742=)

Gene: RET (ret proto-oncogene; plus strand). Cytogenetic location: 10q11.21.
Variant type: single nucleotide variant.
Coding change: c.2226G>A on transcript NM_020975.6 (MANE Select); coding-DNA position 2226, G replaced by A.
Protein change: p.Thr742=; no amino-acid change (threonine 742 retained).
Molecular consequence: synonymous variant.
Genome position (GRCh38, 1-based): chr10:43,116,673, G>A. VCF-style: chr10-43116673-G-A. GRCh37 (hg19) VCF-style: chr10-43612121-G-A.
Other names: c.2226G>A, p.Thr742= (NM_000323.2, NM_001406743.1, NM_001406744.1 and 4 more transcripts); c.1464G>A, p.Thr488= (NM_001355216.2); c.2097G>A, p.Thr699= (NM_001406761.1, NM_001406762.1, NM_001406764.1); c.2091G>A, p.Thr697= (NM_001406763.1, NM_001406765.1); c.1938G>A, p.Thr646= (NM_001406766.1, NM_001406767.1, NM_001406770.1); c.1962G>A, p.Thr654= (NM_001406768.1); c.1830G>A, p.Thr610= (NM_001406769.1, NM_001406772.1); c.1788G>A, p.Thr596= (NM_001406771.1, NM_001406773.1); and 10 more.
Identifiers: ClinVar variation 220507 (VCV000220507.24), dbSNP rs762876946, ClinGen allele CA037885.

ClinVar aggregate classification (germline): Benign/Likely benign. Review status: criteria provided, multiple submitters, no conflicts (2 of 4 stars). 10 submissions from 9 submitters: Benign (3); Likely benign (5). 2 of the submissions do not count toward it. Last evaluated 2025-11-26.

Conditions:
Hereditary cancer-predisposing syndrome. Also called: Tumor predisposition; Neoplastic Syndromes, Hereditary; Hereditary Cancer Syndrome; Hereditary neoplastic syndrome. Identifiers: Orphanet 140162, MedGen C0027672, MeSH D009386, MONDO:0015356.
Multiple endocrine neoplasia type 2B. Also called: Multiple Endocrine Neoplasia Type 2B (MEN2B); MEN 2B; MUCOSAL NEUROMA SYNDROME; Multiple endocrine neoplasia, type 3; MULTIPLE ENDOCRINE NEOPLASIA, TYPE IIB; MEN IIB. Identifiers: Orphanet 247709, Orphanet 653, MedGen C0025269, MeSH D018814, MONDO:0008082, OMIM 162300.
Multiple endocrine neoplasia, type 2 (MEN2). Identifiers: Orphanet 653, MedGen C4048306, MONDO:0019003. Disease mechanism: gain of function.
Multiple endocrine neoplasia type 2A. Also called: Multiple Endocrine Neoplasia Type 2A (MEN2A); MULTIPLE ENDOCRINE NEOPLASIA, TYPE IIA; PTC SYNDROME; SIPPLE SYNDROME; MEN 2A; MEN-2A syndrome. Identifiers: Orphanet 247698, Orphanet 653, MedGen C0025268, MeSH D018813, MONDO:0008234, OMIM 171400.

Allele frequency attached by ClinVar (database versions not stated): gnomAD 0.00002 and 0.00004; TOPMed 0.00002; gnomAD exomes 0.00009 and 0.00018; ExAC 0.00023.
gnomAD v4.1: 138 of 1,614,038 alleles (0.0085%); highest among the groups gnomAD compares: South Asian, 0.11%; 1 homozygote.

Submissions (10):

Labcorp Genetics (formerly Invitae), Labcorp
Classification: Benign for Multiple endocrine neoplasia, type 2. Last evaluated: 2025-11-26. Review status: criteria provided, single submitter. Criteria: Invitae Variant Classification Sherloc (09022015). Collection method: clinical testing. Allele origin: germline.

Ambry Genetics
Classification: Likely benign for Hereditary cancer-predisposing syndrome. Last evaluated: 2025-10-08. Review status: criteria provided, single submitter. Criteria: Ambry Variant Classification Scheme 2023. Collection method: clinical testing. Allele origin: germline.

Blueprint Genetics
Classification: Likely benign. Last evaluated: 2024-06-20. Review status: criteria provided, single submitter. Criteria: ACMG Guidelines, 2015. Collection method: clinical testing. Allele origin: germline.

All of Us Research Program, National Institutes of Health
Classification: Likely benign for Multiple endocrine neoplasia, type 2. Last evaluated: 2023-12-18. Review status: criteria provided, single submitter. Criteria: ACMG Guidelines, 2015. Collection method: clinical testing. Allele origin: germline. Inheritance: Autosomal dominant inheritance. Observed: 8 variant alleles, 8 heterozygotes.
Comment: This study involves interpretation of variants in research participants for the purpose of population health screening. Participant phenotype was not available at the time of variant classification. Additional details can be found in publication PMID: 35346344, PMCID: PMC8962531

Color Diagnostics, LLC DBA Color Health
Classification: Likely benign for Multiple endocrine neoplasia, type 2. Last evaluated: 2022-11-06. Review status: criteria provided, single submitter. Criteria: ACMG Guidelines, 2015. Collection method: clinical testing. Allele origin: germline.

Sema4
Classification: Likely benign for Hereditary cancer-predisposing syndrome. Last evaluated: 2021-05-10. Review status: criteria provided, single submitter. Criteria: Sema4 Curation Guidelines. Collection method: curation. Allele origin: germline.

Athena Diagnostics
Classification: Benign. Last evaluated: 2018-09-27. Review status: criteria provided, single submitter. Criteria: Athena Diagnostics Criteria. Collection method: clinical testing. Allele origin: germline.

Quest Diagnostics Nichols Institute San Juan Capistrano
Classification: Benign. Last evaluated: 2018-09-27. Review status: criteria provided, single submitter. Criteria: Quest Diagnostics criteria. Collection method: clinical testing. Allele origin: unknown.

Counsyl
Classification: Likely benign for Multiple endocrine neoplasia type 2B. Last evaluated: 2016-03-02. Review status: no assertion criteria provided. Collection method: clinical testing. Allele origin: unknown. Not counted in ClinVar's aggregate classification.

Counsyl
Classification: Likely benign for Multiple endocrine neoplasia type 2A. Last evaluated: 2016-03-02. Review status: no assertion criteria provided. Collection method: clinical testing. Allele origin: unknown. Not counted in ClinVar's aggregate classification.